The following is an entry in ClinVar:

ClinVar aggregate classification (germline): Uncertain significance (1 of 4 stars; one submission).

Allele frequency attached by ClinVar (database versions not stated): gnomAD exomes below 0.00001.
gnomAD v4.1: 1 of 1,613,596 alleles (0.000062%); highest among the groups gnomAD compares: Non-Finnish European, 0.000085%; no homozygotes.

Submission:

Ambry Genetics
Classification: Uncertain significance. Last evaluated: 2022-11-29. Review status: criteria provided, single submitter. Criteria: Ambry Variant Classification Scheme 2023. Collection method: clinical testing. Allele origin: germline.
Comment: Does not currently meet published gene-disease clinical validity criteria for this gene (Smith, 2017) Based on insufficient or conflicting evidence, the clinical significance of this alteration remains unclear.

Literature cited by the submitters: PubMed 28106320.

NM_205836.3(FBXO38):c.190G>A (p.Val64Met)

Gene: FBXO38 (F-box protein 38; plus strand). Cytogenetic location: 5q32.
Variant type: single nucleotide variant.
Coding change: c.190G>A on transcript NM_205836.3 (MANE Select); coding-DNA position 190, G replaced by A.
Protein change: p.Val64Met; replaces valine 64 with methionine.
Molecular consequence: missense variant.
Genome position (GRCh38, 1-based): chr5:148,399,060, G>A. VCF-style: chr5-148399060-G-A. GRCh37 (hg19) VCF-style: chr5-147778623-G-A.
Other names: c.190G>A, p.Val64Met (NM_001271723.2, NM_030793.5); short protein forms V64M.
Identifiers: ClinVar variation 2326533 (VCV002326533.2), dbSNP rs1248251990, ClinGen allele CA361654191.